The following is an entry in ClinVar:

ClinVar aggregate classification (germline): Uncertain significance. Review status: criteria provided, multiple submitters, no conflicts (2 of 4 stars). 2 submissions from 2 submitters: Uncertain significance (2). Last evaluated 2024-04-13.

Conditions:
Hereditary cancer-predisposing syndrome. Also called: Neoplastic Syndromes, Hereditary; Hereditary neoplastic syndrome; Tumor predisposition; Hereditary Cancer Syndrome. Identifiers: Orphanet 140162, MedGen C0027672, MeSH D009386, MONDO:0015356.

Allele frequency attached by ClinVar (database versions not stated): gnomAD exomes below 0.00001; TOPMed below 0.00001.
gnomAD v4.1: 3 of 1,613,538 alleles (0.00019%); highest among the groups gnomAD compares: Non-Finnish European, 0.00025%; no homozygotes.

Submissions (2):

Labcorp Genetics (formerly Invitae), Labcorp
Classification: Uncertain significance. Last evaluated: 2024-04-13. Review status: criteria provided, single submitter. Criteria: Invitae Variant Classification Sherloc (09022015). Collection method: clinical testing. Allele origin: germline.
Comment: This sequence change replaces glutamine, which is neutral and polar, with glutamic acid, which is acidic and polar, at codon 692 of the MSH3 protein (p.Gln692Glu). This variant is present in population databases (no rsID available, gnomAD 0.007%). This variant has not been reported in the literature in individuals affected with MSH3-related conditions. ClinVar contains an entry for this variant (Variation ID: 1393663). An algorithm developed to predict the effect of missense changes on protein structure and function (PolyPhen-2) suggests that this variant is likely to be tolerated. In summary, the available evidence is currently insufficient to determine the role of this variant in disease. Therefore, it has been classified as a Variant of Uncertain Significance.

Ambry Genetics
Classification: Uncertain significance for Hereditary cancer-predisposing syndrome. Last evaluated: 2023-09-22. Review status: criteria provided, single submitter. Criteria: Ambry Variant Classification Scheme 2023. Collection method: clinical testing. Allele origin: germline.
Comment: The p.Q692E variant (also known as c.2074C>G), located in coding exon 14 of the MSH3 gene, results from a C to G substitution at nucleotide position 2074. The glutamine at codon 692 is replaced by glutamic acid, an amino acid with highly similar properties. This amino acid position is conserved. In addition, this alteration is predicted to be tolerated by in silico analysis. Since supporting evidence is limited at this time, the clinical significance of this alteration remains unclear.

NM_002439.5(MSH3):c.2074C>G (p.Gln692Glu)

Gene: MSH3 (mutS homolog 3; plus strand). Cytogenetic location: 5q14.1.
Variant type: single nucleotide variant.
Coding change: c.2074C>G on transcript NM_002439.5 (MANE Select); coding-DNA position 2074, C replaced by G.
Protein change: p.Gln692Glu; replaces glutamine 692 with glutamic acid.
Molecular consequence: missense variant.
Genome position (GRCh38, 1-based): chr5:80,768,110, C>G. VCF-style: chr5-80768110-C-G. GRCh37 (hg19) VCF-style: chr5-80063929-C-G.
Other names: short protein forms Q692E.
Identifiers: ClinVar variation 1393663 (VCV001393663.10), dbSNP rs1167298695, ClinGen allele CA360277979.